The following is an entry in ClinVar:

NM_000152.5(GAA):c.1327-118A>G

Gene: GAA (alpha glucosidase; plus strand). Cytogenetic location: 17q25.3.
Variant type: single nucleotide variant.
Coding change: c.1327-118A>G on transcript NM_000152.5 (MANE Select); 118 bases into the intron before coding-DNA position 1327, A replaced by G.
Molecular consequence: intron variant.
Genome position (GRCh38, 1-based): chr17:80,109,827, A>G. VCF-style: chr17-80109827-A-G. GRCh37 (hg19) VCF-style: chr17-78083626-A-G.
Other names: c.1327-118A>G (NM_001079803.3, NM_001079804.3).
Identifiers: ClinVar variation 1258239 (VCV001258239.4), dbSNP rs74003628, ClinGen allele CA14427100.
Genomic context (GRCh38, chr17:80,109,827, plus strand): 5'-CCCGGCCCTGGCTCCTCTCCAGGCAGGCGTGTGCAGGCATGTGCAGGTACACAGGCAGGC[A>G]TGCTGTACACACGCATGATGTCATCCCCAGCCTCATCCTCTCACTGTCTCAGTTTTCCCC-3'

ClinVar aggregate classification (germline): Benign. Review status: criteria provided, multiple submitters, no conflicts (2 of 4 stars). 3 submissions from 3 submitters: Benign (3). Last evaluated 2026-07-01.

Conditions:
Glycogen storage disease, type II (IOPD). Also called: CARDIOMEGALIA GLYCOGENICA DIFFUSA; GLYCOGENOSIS, GENERALIZED, CARDIAC FORM; GSD II; Glycogen storage disease type 2; Acid maltase deficiency disease; Aglucosidase alfa. Identifiers: Orphanet 365, MedGen C0017921, MONDO:0009290, OMIM 232300.

Allele frequency attached by ClinVar (database versions not stated): gnomAD exomes 0.06252; gnomAD 0.06435 and 0.06602; TOPMed 0.06642; 1000 Genomes Project 0.06490; 1000 Genomes Project 30x 0.06590.
gnomAD v4.1: 46,088 of 733,412 alleles (6.3%); highest among the groups gnomAD compares: African/African-American, 7.8%; 1,618 homozygotes.

Submissions (3):

Genomenon, Inc
Classification: Benign for Glycogen storage disease, type II. Last evaluated: 2026-07-01. Review status: criteria provided, single submitter. Criteria: Genomenon Sequence Variant Interpretation Standards - Updated. Collection method: curation. Allele origin: germline. Affected: no.
Comment: GAA c.1327-118A>G is an intronic variant located in intron 8. This variant is present at high allele frequency in population databases. We classify GAA c.1327-118A>G as a benign variant.

GeneDx
Classification: Benign. Last evaluated: 2018-06-28. Review status: criteria provided, single submitter. Criteria: GeneDx Variant Classification Process June 2021. Collection method: clinical testing. Allele origin: germline. Affected: yes.

Breakthrough Genomics
Classification: Benign. Review status: criteria provided, single submitter. Criteria: ACMG Guidelines, 2015. Collection method: not provided. Allele origin: germline. Inheritance: Autosomal recessive inheritance. Affected: yes.